The following is an entry in ClinVar:

NM_032608.7(MYO18B):c.6763G>T (p.Glu2255Ter)

Gene: MYO18B (myosin XVIIIB; plus strand). Cytogenetic location: 22q12.1.
Variant type: single nucleotide variant.
Coding change: c.6763G>T on transcript NM_032608.7 (MANE Select); coding-DNA position 6763, G replaced by T.
Protein change: p.Glu2255Ter; replaces glutamic acid 2255 with a stop codon.
Molecular consequence: nonsense.
Genome position (GRCh38, 1-based): chr22:26,026,737, G>T. VCF-style: chr22-26026737-G-T. GRCh37 (hg19) VCF-style: chr22-26422703-G-T.
Other names: c.6766G>T, p.Glu2256Ter (NM_001318245.2); short protein forms E2256*, E2255*.
Identifiers: ClinVar variation 3696886 (VCV003696886.2).
Genomic context (GRCh38, chr22:26,026,737, plus strand): 5'-ACATCCCCGCTGTCGAGGGAAAAGCTGCCCAGTCCTTCAGCGGCCCTCTCGGAGTTCGTG[G>T]AAGGGCTCCGGAGGAAGAGAGCCCAGAGAGGCCAGGGGTCCACGCTGGGCCTAGAGGACT-3'

ClinVar aggregate classification (germline): Pathogenic (1 of 4 stars; one submission).

gnomAD v4.1: 1 of 1,613,338 alleles (0.000062%); highest among the groups gnomAD compares: South Asian, 0.0011%; no homozygotes.

Submission:

Labcorp Genetics (formerly Invitae), Labcorp
Classification: Pathogenic. Last evaluated: 2025-07-29. Review status: criteria provided, single submitter. Criteria: Invitae Variant Classification Sherloc (09022015). Collection method: clinical testing. Allele origin: germline.
Comment: This sequence change creates a premature translational stop signal (p.Glu2255*) in the MYO18B gene. It is expected to result in an absent or disrupted protein product. Loss-of-function variants in MYO18B are known to be pathogenic (PMID: 25748484, 32184166, 32637634). This variant is not present in population databases (gnomAD no frequency). This variant has not been reported in the literature in individuals affected with MYO18B-related conditions. ClinVar contains an entry for this variant (Variation ID: 3696886). For these reasons, this variant has been classified as Pathogenic.

Literature cited by the submitters: PubMed 25748484; PubMed 32184166; PubMed 32637634.